The following is an entry in ClinVar:

NM_001114753.3(ENG):c.405C>G (p.Thr135=)

Gene: ENG (endoglin; minus strand). Cytogenetic location: 9q34.11.
Variant type: single nucleotide variant.
Coding change: c.405C>G on transcript NM_001114753.3 (MANE Select); coding-DNA position 405, C replaced by G.
Protein change: p.Thr135=; no amino-acid change (threonine 135 retained).
Molecular consequence: synonymous variant. On other transcripts: 5 prime UTR variant (1).
Genome position (GRCh38, 1-based): chr9:127,826,628, G>C on the plus strand (C>G on the coding strand, the complement: ENG is on the minus strand). VCF-style: chr9-127826628-G-C. GRCh37 (hg19) VCF-style: chr9-130588907-G-C.
Other names: c.405C>G, p.Thr135= (NM_000118.4, NM_001406715.1); c.-142C>G (NM_001278138.2).
Identifiers: ClinVar variation 757918 (VCV000757918.40), dbSNP rs773521685, ClinGen allele CA5253124.

ClinVar aggregate classification (germline): Conflicting classifications of pathogenicity. Review status: criteria provided, conflicting classifications (1 of 4 stars). 5 submissions from 5 submitters: Uncertain significance (1); Likely benign (4). Last evaluated 2025-11-21.

Conditions:
Hereditary hemorrhagic telangiectasia (HHT). Also called: Osler hemorrhagic telangiectasia syndrome; ORW DISEASE; Osler Weber Rendu syndrome; OSLER-RENDU-WEBER DISEASE. Identifiers: Orphanet 774, MedGen C0039445, MONDO:0019180. Disease mechanism: loss of function.
Telangiectasia, hereditary hemorrhagic, type 1 (HHT1). Also called: Osler Weber Rendu syndrome type 1; ENG-Related Hereditary Hemorrhagic Telangiectasia. Identifiers: Orphanet 774, MedGen C4551861, MONDO:0008535, OMIM 187300. Disease mechanism: loss of function.
Cardiovascular phenotype. Identifiers: MedGen CN230736.

Allele frequency attached by ClinVar (database versions not stated): gnomAD exomes 0.00002 and 0.00003; ExAC 0.00003.
gnomAD v4.1: 25 of 1,614,024 alleles (0.0015%); highest among the groups gnomAD compares: East Asian, 0.051%; no homozygotes.

Submissions (5):

Labcorp Genetics (formerly Invitae), Labcorp
Classification: Likely benign for Hereditary hemorrhagic telangiectasia. Last evaluated: 2025-11-21. Review status: criteria provided, single submitter. Criteria: Invitae Variant Classification Sherloc (09022015). Collection method: clinical testing. Allele origin: germline.

Women's Health and Genetics/Laboratory Corporation of America, LabCorp
Classification: Likely benign. Last evaluated: 2025-04-17. Review status: criteria provided, single submitter. Criteria: LabCorp Variant Classification Summary - May 2015. Collection method: clinical testing. Allele origin: germline.

CeGaT Center for Human Genetics Tuebingen
Classification: Likely benign. Last evaluated: 2022-03-01. Review status: criteria provided, single submitter. Criteria: CeGaT Center For Human Genetics Tuebingen Variant Classification Criteria Version 2. Collection method: clinical testing. Allele origin: germline. Affected: yes. Observed: 1 variant allele.
Comment: ENG: BP4, BP7

Ambry Genetics
Classification: Likely benign for Cardiovascular phenotype. Last evaluated: 2019-10-25. Review status: criteria provided, single submitter. Criteria: Ambry Variant Classification Scheme 2023. Collection method: clinical testing. Allele origin: germline.

Illumina Laboratory Services, Illumina
Classification: Uncertain significance for Telangiectasia, hereditary hemorrhagic, type 1. Last evaluated: 2018-01-12. Review status: criteria provided, single submitter. Criteria: ICSL Variant Classification Criteria 13 December 2019. Collection method: clinical testing. Allele origin: germline.